The following is an entry in ClinVar:

NM_001330260.2(SCN8A):c.1509C>A (p.Leu503=)

Gene: SCN8A (sodium voltage-gated channel alpha subunit 8; plus strand). Cytogenetic location: 12q13.13.
Variant type: single nucleotide variant.
Coding change: c.1509C>A on transcript NM_001330260.2 (MANE Select); coding-DNA position 1509, C replaced by A.
Protein change: p.Leu503=; no amino-acid change (leucine 503 retained).
Molecular consequence: synonymous variant.
Genome position (GRCh38, 1-based): chr12:51,706,589, C>A. VCF-style: chr12-51706589-C-A. GRCh37 (hg19) VCF-style: chr12-52100373-C-A.
Other names: p.L503L:CTC>CTA; c.1509C>A, p.Leu503= (NM_001177984.3, NM_001369788.1, NM_014191.4).
Identifiers: ClinVar variation 207097 (VCV000207097.37), dbSNP rs376749872, ClinGen allele CA318233.

ClinVar aggregate classification (germline): Benign/Likely benign. Review status: criteria provided, multiple submitters, no conflicts (2 of 4 stars). 5 submissions from 5 submitters: Benign (1); Likely benign (4). Last evaluated 2026-04-01.

Conditions:
Early-infantile DEE. Also called: Ohtahara syndrome; Early infantile epileptic encephalopathy; Early infantile epileptic encephalopathy with suppression bursts. Identifiers: Orphanet 1934, MedGen C0393706, MONDO:0800491.
Inborn genetic diseases. Identifiers: MedGen C0950123, MeSH D030342.

Allele frequency attached by ClinVar (database versions not stated): gnomAD 0.00006 and 0.00007; ESP Exome Variant Server 0.00008; TOPMed 0.00010; gnomAD exomes 0.00011; ExAC 0.00012.
gnomAD v4.1: 90 of 1,608,736 alleles (0.0056%); highest among the groups gnomAD compares: Middle Eastern, 0.083%; no homozygotes.

Submissions (5):

CeGaT Center for Human Genetics Tuebingen
Classification: Likely benign. Last evaluated: 2026-04-01. Review status: criteria provided, single submitter. Criteria: CeGaT Center For Human Genetics Tuebingen Variant Classification Criteria Version 2. Collection method: clinical testing. Allele origin: germline. Affected: yes. Observed: 2 variant alleles.
Comment: SCN8A: BP4, BP7

Labcorp Genetics (formerly Invitae), Labcorp
Classification: Likely benign for Early-infantile DEE. Last evaluated: 2026-01-24. Review status: criteria provided, single submitter. Criteria: Invitae Variant Classification Sherloc (09022015). Collection method: clinical testing. Allele origin: germline.

Blueprint Genetics
Classification: Likely benign. Last evaluated: 2022-04-08. Review status: criteria provided, single submitter. Criteria: ACMG Guidelines, 2015. Collection method: clinical testing. Allele origin: germline.

Ambry Genetics
Classification: Likely benign for Inborn genetic diseases. Last evaluated: 2016-10-07. Review status: criteria provided, single submitter. Criteria: Ambry Variant Classification Scheme 2023. Collection method: clinical testing. Allele origin: germline.

GeneDx
Classification: Benign. Last evaluated: 2015-01-07. Review status: criteria provided, single submitter. Criteria: GeneDx Variant Classification (06012015). Collection method: clinical testing. Allele origin: germline. Affected: yes.
Comment: This variant is considered likely benign or benign based on one or more of the following criteria: it is a conservative change, it occurs at a poorly conserved position in the protein, it is predicted to be benign by multiple in silico algorithms, and/or has population frequency not consistent with disease.